The following is an entry in ClinVar:

ClinVar aggregate classification (germline): Uncertain significance (1 of 4 stars; one submission).

Conditions:
Immunodeficiency, common variable, 10. Also called: DEFICIT IN ANTERIOR PITUITARY FUNCTION AND VARIABLE IMMUNODEFICIENCY; IMMUNODEFICIENCY, COMMON VARIABLE, WITH CENTRAL ADRENAL INSUFFICIENCY. Identifiers: MedGen C3809991, MONDO:0014260, OMIM 615577.

Allele frequency attached by ClinVar (database versions not stated): gnomAD exomes below 0.00001; TOPMed 0.00009; gnomAD 0.00011; 1000 Genomes Project 30x 0.00016; 1000 Genomes Project 0.00020; ExAC 0.00028.

Submission:

Labcorp Genetics (formerly Invitae), Labcorp
Classification: Uncertain significance for Immunodeficiency, common variable, 10. Last evaluated: 2025-07-21. Review status: criteria provided, single submitter. Criteria: Invitae Variant Classification Sherloc (09022015). Collection method: clinical testing. Allele origin: germline.
Comment: This sequence change replaces proline, which is neutral and non-polar, with leucine, which is neutral and non-polar, at codon 430 of the NFKB2 protein (p.Pro430Leu). This variant is present in population databases (rs552593555, gnomAD 0.08%), and has an allele count higher than expected for a pathogenic variant. This variant has not been reported in the literature in individuals affected with NFKB2-related conditions. ClinVar contains an entry for this variant (Variation ID: 2162120). An algorithm developed to predict the effect of missense changes on protein structure and function outputs the following: PolyPhen-2: "Benign". The leucine amino acid residue is found in multiple mammalian species, which suggests that this missense change does not adversely affect protein function. In summary, the available evidence is currently insufficient to determine the role of this variant in disease. Therefore, it has been classified as a Variant of Uncertain Significance.

NM_001322934.2(NFKB2):c.1289C>T (p.Pro430Leu)

Genes: NFKB2 (nuclear factor kappa B subunit 2; plus strand), LOC130004599 (ATAC-STARR-seq lymphoblastoid silent region 2756; plus strand). Cytogenetic location: 10q24.32.
Variant type: single nucleotide variant.
Coding change: c.1289C>T on transcript NM_001322934.2 (MANE Select); coding-DNA position 1289, C replaced by T.
Protein change: p.Pro430Leu; replaces proline 430 with leucine.
Molecular consequence: missense variant.
Genome position (GRCh38, 1-based): chr10:102,399,459, C>T. VCF-style: chr10-102399459-C-T. GRCh37 (hg19) VCF-style: chr10-104159216-C-T.
Other names: c.1289C>T, p.Pro430Leu (NM_001077493.1, NM_001077494.3, NM_001261403.3 and 2 more transcripts); c.1163C>T, p.Pro388Leu (NM_001322935.1); short protein forms P388L, P430L.
Identifiers: ClinVar variation 2162120 (VCV002162120.4), dbSNP rs552593555, ClinGen allele CA5664793.